The following is an entry in ClinVar:

ClinVar aggregate classification (germline): Uncertain significance. Review status: criteria provided, multiple submitters, no conflicts (2 of 4 stars). 2 submissions from 2 submitters: Uncertain significance (2). Last evaluated 2025-10-02.

Conditions:
Familial episodic pain syndrome with predominantly lower limb involvement. Also called: Episodic pain syndrome, familial, 3. Identifiers: Orphanet 391384, Orphanet 391392, MedGen C3809899, MONDO:0014247, OMIM 615552.
Hereditary sensory and autonomic neuropathy type 7. Also called: Neuropathy, hereditary sensory and autonomic, type VII; HSAN VII. Identifiers: Orphanet 391397, MedGen C3809882, MONDO:0014244, OMIM 615548.
Inborn genetic diseases. Identifiers: MedGen C0950123, MeSH D030342.

Submissions (2):

Ambry Genetics
Classification: Uncertain significance for Inborn genetic diseases. Last evaluated: 2025-10-02. Review status: criteria provided, single submitter. Criteria: Ambry Variant Classification Scheme 2023. Collection method: clinical testing. Allele origin: germline.

Labcorp Genetics (formerly Invitae), Labcorp
Classification: Uncertain significance for Familial episodic pain syndrome with predominantly lower limb involvement; Hereditary sensory and autonomic neuropathy type 7. Last evaluated: 2018-03-09. Review status: criteria provided, single submitter. Criteria: Invitae Variant Classification Sherloc (09022015). Collection method: clinical testing. Allele origin: germline.
Comment: This sequence change replaces phenylalanine with leucine at codon 593 of the SCN11A protein (p.Phe593Leu). The phenylalanine residue is highly conserved and there is a small physicochemical difference between phenylalanine and leucine. This variant is not present in population databases (ExAC no frequency). This variant has not been reported in the literature in individuals with SCN11A-related disease. Algorithms developed to predict the effect of missense changes on protein structure and function do not agree on the potential impact of this missense change (SIFT: "Deleterious"; PolyPhen-2: "Probably Damaging"; Align-GVGD: "Class C15"). In summary, the available evidence is currently insufficient to determine the role of this variant in disease. Therefore, it has been classified as a Variant of Uncertain Significance.

NM_001349253.2(SCN11A):c.1779C>A (p.Phe593Leu)

Gene: SCN11A (sodium voltage-gated channel alpha subunit 11; minus strand). Cytogenetic location: 3p22.2.
Variant type: single nucleotide variant.
Coding change: c.1779C>A on transcript NM_001349253.2 (MANE Select); coding-DNA position 1779, C replaced by A.
Protein change: p.Phe593Leu; replaces phenylalanine 593 with leucine.
Molecular consequence: missense variant.
Genome position (GRCh38, 1-based): chr3:38,903,928, G>T on the plus strand (C>A on the coding strand, the complement: SCN11A is on the minus strand). VCF-style: chr3-38903928-G-T. GRCh37 (hg19) VCF-style: chr3-38945419-G-T.
Other names: c.1779C>A, p.Phe593Leu (NM_014139.3); short protein forms F593L.
Identifiers: ClinVar variation 569282 (VCV000569282.6), dbSNP rs1559520838, ClinGen allele CA352164210.